The following is an entry in ClinVar:

ClinVar aggregate classification (germline): Uncertain significance (1 of 4 stars; one submission).

Conditions:
Developmental and epileptic encephalopathy, 11 (DEE11). Also called: Early infantile epileptic encephalopathy 11. Identifiers: Orphanet 1934, MedGen C3150987, MONDO:0013388, OMIM 613721.
Seizures, benign familial infantile, 3 (BFIS3). Also called: CONVULSIONS, BENIGN FAMILIAL INFANTILE, 3; Familial neonatal seizures. Identifiers: Orphanet 140927, Orphanet 306, MedGen C1843140, MONDO:0011904, OMIM 607745.

Allele frequency attached by ClinVar (database versions not stated): gnomAD exomes 0.00001.
gnomAD v4.1: 12 of 1,614,058 alleles (0.00074%); highest among the groups gnomAD compares: Non-Finnish European, 0.00085%; no homozygotes.

Submission:

Labcorp Genetics (formerly Invitae), Labcorp
Classification: Uncertain significance for Seizures, benign familial infantile, 3; Developmental and epileptic encephalopathy, 11. Last evaluated: 2024-09-16. Review status: criteria provided, single submitter. Criteria: Invitae Variant Classification Sherloc (09022015). Collection method: clinical testing. Allele origin: germline.
Comment: This sequence change replaces aspartic acid, which is acidic and polar, with asparagine, which is neutral and polar, at codon 1692 of the SCN2A protein (p.Asp1692Asn). This variant is not present in population databases (gnomAD no frequency). This missense change has been observed in individual(s) with clinical features of SCN2A-related conditions (internal data). ClinVar contains an entry for this variant (Variation ID: 1447628). Invitae Evidence Modeling of protein sequence and biophysical properties (such as structural, functional, and spatial information, amino acid conservation, physicochemical variation, residue mobility, and thermodynamic stability) indicates that this missense variant is expected to disrupt SCN2A protein function with a positive predictive value of 80%. In summary, the available evidence is currently insufficient to determine the role of this variant in disease. Therefore, it has been classified as a Variant of Uncertain Significance.

NM_001040142.2(SCN2A):c.5074G>A (p.Asp1692Asn)

Gene: SCN2A (sodium voltage-gated channel alpha subunit 2; plus strand). Cytogenetic location: 2q24.3.
Variant type: single nucleotide variant.
Coding change: c.5074G>A on transcript NM_001040142.2 (MANE Select); coding-DNA position 5074, G replaced by A.
Protein change: p.Asp1692Asn; replaces aspartic acid 1692 with asparagine.
Molecular consequence: missense variant.
Genome position (GRCh38, 1-based): chr2:165,388,880, G>A. VCF-style: chr2-165388880-G-A. GRCh37 (hg19) VCF-style: chr2-166245390-G-A.
Other names: c.5074G>A, p.Asp1692Asn (NM_001040143.2, NM_001371246.1, NM_001371247.1 and 1 more transcripts); short protein forms D1692N.
Identifiers: ClinVar variation 1447628 (VCV001447628.8), dbSNP rs2105402518, ClinGen allele CA349038130.